The following is an entry in ClinVar:

ClinVar aggregate classification (germline): Uncertain significance. Review status: criteria provided, multiple submitters, no conflicts (2 of 4 stars). 3 submissions from 3 submitters: Uncertain significance (3). Last evaluated 2023-10-20.

Conditions:
Emery-Dreifuss muscular dystrophy 5, autosomal dominant (EDMD5). Also called: EMERY-DREIFUSS MUSCULAR DYSTROPHY 5. Identifiers: Orphanet 261, MedGen C2751805, MONDO:0013072, OMIM 612999.

Allele frequency attached by ClinVar (database versions not stated): gnomAD 0.00001; gnomAD exomes 0.00001 and 0.00002; ExAC 0.00002; TOPMed 0.00003; ESP Exome Variant Server 0.00015.
gnomAD v4.1: 18 of 1,614,052 alleles (0.0011%); highest among the groups gnomAD compares: Middle Eastern, 0.049%; no homozygotes.

Submissions (3):

Labcorp Genetics (formerly Invitae), Labcorp
Classification: Uncertain significance for Emery-Dreifuss muscular dystrophy 5, autosomal dominant. Last evaluated: 2023-10-20. Review status: criteria provided, single submitter. Criteria: Invitae Variant Classification Sherloc (09022015). Collection method: clinical testing. Allele origin: germline.
Comment: This sequence change replaces arginine, which is basic and polar, with glutamine, which is neutral and polar, at codon 5577 of the SYNE2 protein (p.Arg5577Gln). This variant is present in population databases (rs143231145, gnomAD 0.007%). This variant has not been reported in the literature in individuals affected with SYNE2-related conditions. ClinVar contains an entry for this variant (Variation ID: 283719). Algorithms developed to predict the effect of missense changes on protein structure and function output the following: SIFT: "Not Available"; PolyPhen-2: "Benign"; Align-GVGD: "Not Available". The glutamine amino acid residue is found in multiple mammalian species, which suggests that this missense change does not adversely affect protein function. In summary, the available evidence is currently insufficient to determine the role of this variant in disease. Therefore, it has been classified as a Variant of Uncertain Significance.

Revvity Omics, Revvity
Classification: Uncertain significance for Emery-Dreifuss muscular dystrophy 5, autosomal dominant. Last evaluated: 2020-01-30. Review status: criteria provided, single submitter. Criteria: ACMG Guidelines, 2015. Collection method: clinical testing. Allele origin: germline.

Eurofins Ntd Llc (ga)
Classification: Uncertain significance. Last evaluated: 2015-10-02. Review status: criteria provided, single submitter. Criteria: EGL Classification Definitions 2015. Collection method: clinical testing. Allele origin: germline. Observed: 1 variant allele, 1 heterozygote.

NM_182914.3(SYNE2):c.16730G>A (p.Arg5577Gln)

Gene: SYNE2 (spectrin repeat containing nuclear envelope protein 2; plus strand). Cytogenetic location: 14q23.2.
Variant type: single nucleotide variant.
Coding change: c.16730G>A on transcript NM_182914.3 (MANE Select); coding-DNA position 16730, G replaced by A.
Protein change: p.Arg5577Gln; replaces arginine 5577 with glutamine.
Molecular consequence: missense variant.
Genome position (GRCh38, 1-based): chr14:64,167,357, G>A. VCF-style: chr14-64167357-G-A. GRCh37 (hg19) VCF-style: chr14-64634075-G-A.
Other names: c.16730G>A, p.Arg5577Gln (NM_015180.6); short protein forms R5577Q.
Identifiers: ClinVar variation 283719 (VCV000283719.12), dbSNP rs143231145, ClinGen allele CA7223466.